The following is an entry in ClinVar:

ClinVar aggregate classification (germline): Likely benign (1 of 4 stars; one submission).

Allele frequency attached by ClinVar (database versions not stated): 1000 Genomes Project 30x 0.00031; gnomAD 0.00037; 1000 Genomes Project 0.00040; TOPMed 0.00040; ExAC 0.00043; ESP Exome Variant Server 0.00046.

Submission:

CeGaT Center for Human Genetics Tuebingen
Classification: Likely benign. Last evaluated: 2023-03-01. Review status: criteria provided, single submitter. Criteria: CeGaT Center For Human Genetics Tuebingen Variant Classification Criteria Version 2. Collection method: clinical testing. Allele origin: germline. Affected: yes. Observed: 1 variant allele.
Comment: LENG9: BP4, BP7

NM_001301782.2(LENG9):c.1278C>T (p.Thr426=)

Gene: LENG9 (leukocyte receptor cluster member 9; minus strand). Cytogenetic location: 19q13.42.
Variant type: single nucleotide variant.
Coding change: c.1278C>T on transcript NM_001301782.2 (MANE Select); coding-DNA position 1278, C replaced by T.
Protein change: p.Thr426=; no amino-acid change (threonine 426 retained).
Molecular consequence: synonymous variant.
Genome position (GRCh38, 1-based): chr19:54,462,249, G>A on the plus strand (C>T on the coding strand, the complement: LENG9 is on the minus strand). VCF-style: chr19-54462249-G-A. GRCh37 (hg19) VCF-style: chr19-54973429-G-A.
Identifiers: ClinVar variation 2650452 (VCV002650452.24), dbSNP rs116688678, ClinGen allele CA309663332.